The following is an entry in ClinVar:

ClinVar aggregate classification (germline): Uncertain significance (1 of 4 stars; one submission).

Allele frequency attached by ClinVar (database versions not stated): gnomAD 0.00001; TOPMed 0.00002.
gnomAD v4.1: 7 of 1,614,092 alleles (0.00043%); highest among the groups gnomAD compares: Middle Eastern, 0.016%; no homozygotes.

Submission:

Labcorp Genetics (formerly Invitae), Labcorp
Classification: Uncertain significance. Last evaluated: 2022-11-08. Review status: criteria provided, single submitter. Criteria: Invitae Variant Classification Sherloc (09022015). Collection method: clinical testing. Allele origin: germline.
Comment: In summary, the available evidence is currently insufficient to determine the role of this variant in disease. Therefore, it has been classified as a Variant of Uncertain Significance. Algorithms developed to predict the effect of missense changes on protein structure and function are either unavailable or do not agree on the potential impact of this missense change (SIFT: "Deleterious"; PolyPhen-2: "Possibly Damaging"; Align-GVGD: "Class C15"). This variant has not been reported in the literature in individuals affected with DPF2-related conditions. The frequency data for this variant in the population databases is considered unreliable, as metrics indicate poor data quality at this position in the gnomAD database. This sequence change replaces arginine, which is basic and polar, with cysteine, which is neutral and slightly polar, at codon 124 of the DPF2 protein (p.Arg124Cys).

NM_006268.5(DPF2):c.370C>T (p.Arg124Cys)

Gene: DPF2 (double PHD fingers 2; plus strand). Cytogenetic location: 11q13.1.
Variant type: single nucleotide variant.
Coding change: c.370C>T on transcript NM_006268.5 (MANE Select); coding-DNA position 370, C replaced by T.
Protein change: p.Arg124Cys; replaces arginine 124 with cysteine.
Molecular consequence: missense variant.
Genome position (GRCh38, 1-based): chr11:65,341,467, C>T. VCF-style: chr11-65341467-C-T. GRCh37 (hg19) VCF-style: chr11-65108938-C-T.
Other names: c.370C>T, p.Arg124Cys (NM_001330308.2); short protein forms R124C.
Identifiers: ClinVar variation 2808984 (VCV002808984.3), dbSNP rs1023937525, ClinGen allele CA223956029.